The following is an entry in ClinVar:

ClinVar aggregate classification (germline): Uncertain significance. Review status: criteria provided, single submitter (1 of 4 stars). 2 submissions from 2 submitters: Uncertain significance (1). 1 of the submissions does not count toward it. Last evaluated 2021-10-25.

Conditions:
KCNJ2-related disorder. Also called: KCNJ2-related condition.
Cardiovascular phenotype. Identifiers: MedGen CN230736.

Allele frequency attached by ClinVar (database versions not stated): TOPMed below 0.00001; 1000 Genomes Project 30x 0.00031; 1000 Genomes Project 0.00040.
gnomAD v4.1: 10 of 1,614,002 alleles (0.00062%); highest among the groups gnomAD compares: East Asian, 0.0022%; 1 homozygote.

Submissions (2):

Ambry Genetics
Classification: Uncertain significance for Cardiovascular phenotype. Last evaluated: 2021-10-25. Review status: criteria provided, single submitter. Criteria: Ambry Variant Classification Scheme 2023. Collection method: clinical testing. Allele origin: germline.
Comment: The c.-1G>A variant is located in the 5' untranslated region (5&rsquo; UTR) of the KCNJ2 gene. This variant results from a G to A substitution 1 bases upstream from the first translated codon. Based on nucleotide sequence alignment, this nucleotide position is not well conserved in available vertebrate species. Since supporting evidence is limited at this time, the clinical significance of this alteration remains unclear.

PreventionGenetics, part of Exact Sciences
Classification: Likely benign for KCNJ2-related condition. Last evaluated: 2022-04-11. Review status: no assertion criteria provided. Collection method: clinical testing. Allele origin: germline. Not counted in ClinVar's aggregate classification.
Comment: This variant is classified as likely benign based on ACMG/AMP sequence variant interpretation guidelines (Richards et al. 2015 PMID: 25741868, with internal and published modifications).

NM_000891.3(KCNJ2):c.-1G>A

Gene: KCNJ2 (potassium inwardly rectifying channel subfamily J member 2; plus strand). Cytogenetic location: 17q24.3.
Variant type: single nucleotide variant.
Coding change: c.-1G>A on transcript NM_000891.3 (MANE Select); 1 bases upstream of the start codon, G replaced by A.
Molecular consequence: 5 prime UTR variant.
Genome position (GRCh38, 1-based): chr17:70,175,039, G>A. VCF-style: chr17-70175039-G-A. GRCh37 (hg19) VCF-style: chr17-68171180-G-A.
Identifiers: ClinVar variation 1784208 (VCV001784208.4), dbSNP rs561773121, ClinGen allele CA8738675.